The following is an entry in ClinVar:

ClinVar aggregate classification (germline): Uncertain significance (1 of 4 stars; one submission).

gnomAD v4.1: 1 of 1,613,822 alleles (0.000062%); highest among the groups gnomAD compares: Non-Finnish European, 0.000085%; no homozygotes.

Submission:

GeneDx
Classification: Uncertain significance. Last evaluated: 2025-06-17. Review status: criteria provided, single submitter. Criteria: GeneDx Variant Classification Process June 2021. Collection method: clinical testing. Allele origin: germline. Affected: yes.
Comment: Not observed at significant frequency in large population cohorts (gnomAD); In silico analysis suggests that this missense variant does not alter protein structure/function; Has not been previously published as pathogenic or benign to our knowledge

NM_006087.4(TUBB4A):c.1318G>A (p.Glu440Lys)

Gene: TUBB4A (tubulin beta 4A class IVa; minus strand). Cytogenetic location: 19p13.3.
Variant type: single nucleotide variant.
Coding change: c.1318G>A on transcript NM_006087.4 (MANE Select); coding-DNA position 1318, G replaced by A.
Protein change: p.Glu440Lys; replaces glutamic acid 440 with lysine.
Molecular consequence: missense variant.
Genome position (GRCh38, 1-based): chr19:6,495,181, C>T on the plus strand (G>A on the coding strand, the complement: TUBB4A is on the minus strand). VCF-style: chr19-6495181-C-T. GRCh37 (hg19) VCF-style: chr19-6495192-C-T.
Other names: c.1471G>A, p.Glu491Lys (NM_001289123.2); c.1453G>A, p.Glu485Lys (NM_001289127.2); c.1318G>A, p.Glu440Lys (NM_001289129.2); c.1102G>A, p.Glu368Lys (NM_001289130.2, NM_001289131.2); short protein forms E368K, E440K, E485K, E491K.
Identifiers: ClinVar variation 4540108 (VCV004540108.1).